The following is an entry in ClinVar:

NM_004304.5(ALK):c.2753G>C (p.Arg918Thr)

Gene: ALK (ALK receptor tyrosine kinase; minus strand). Cytogenetic location: 2p23.2.
Variant type: single nucleotide variant.
Coding change: c.2753G>C on transcript NM_004304.5 (MANE Select); coding-DNA position 2753, G replaced by C.
Protein change: p.Arg918Thr; replaces arginine 918 with threonine.
Molecular consequence: missense variant.
Genome position (GRCh38, 1-based): chr2:29,228,946, C>G on the plus strand (G>C on the coding strand, the complement: ALK is on the minus strand). VCF-style: chr2-29228946-C-G. GRCh37 (hg19) VCF-style: chr2-29451812-C-G.
Other names: c.2753G>C (NM_004304.4); short protein forms R918T.
Identifiers: ClinVar variation 2417122 (VCV002417122.9), dbSNP rs1291693850, ClinGen allele CA346469680.

ClinVar aggregate classification (germline): Uncertain significance. Review status: criteria provided, multiple submitters, no conflicts (2 of 4 stars). 2 submissions from 2 submitters: Uncertain significance (2). Last evaluated 2025-10-10.

Conditions:
Hereditary cancer-predisposing syndrome. Also called: Hereditary neoplastic syndrome; Tumor predisposition; Neoplastic Syndromes, Hereditary; Hereditary Cancer Syndrome. Identifiers: Orphanet 140162, MedGen C0027672, MeSH D009386, MONDO:0015356.
Neuroblastoma, susceptibility to, 3. Also called: ALK-Related Neuroblastic Tumor Susceptibility. Identifiers: Orphanet 635, MedGen C2751681, MONDO:0013083, OMIM 613014.

Allele frequency attached by ClinVar (database versions not stated): TOPMed below 0.00001.

Submissions (2):

Ambry Genetics
Classification: Uncertain significance for Hereditary cancer-predisposing syndrome. Last evaluated: 2025-10-10. Review status: criteria provided, single submitter. Criteria: Ambry Variant Classification Scheme 2023. Collection method: clinical testing. Allele origin: germline.
Comment: The p.R918T variant (also known as c.2753G>C), located in coding exon 16 of the ALK gene, results from a G to C substitution at nucleotide position 2753. The arginine at codon 918 is replaced by threonine, an amino acid with similar properties. This amino acid position is conserved. In addition, this alteration is predicted to be tolerated by in silico analysis. Since supporting evidence is limited at this time, the clinical significance of this alteration remains unclear.

Labcorp Genetics (formerly Invitae), Labcorp
Classification: Uncertain significance for Neuroblastoma, susceptibility to, 3. Last evaluated: 2025-05-26. Review status: criteria provided, single submitter. Criteria: Invitae Variant Classification Sherloc (09022015). Collection method: clinical testing. Allele origin: germline.
Comment: This sequence change replaces arginine, which is basic and polar, with threonine, which is neutral and polar, at codon 918 of the ALK protein (p.Arg918Thr). This variant is not present in population databases (gnomAD no frequency). This variant has not been reported in the literature in individuals affected with ALK-related conditions. ClinVar contains an entry for this variant (Variation ID: 2417122). An algorithm developed to predict the effect of missense changes on protein structure and function (PolyPhen-2) suggests that this variant is likely to be disruptive. In summary, the available evidence is currently insufficient to determine the role of this variant in disease. Therefore, it has been classified as a Variant of Uncertain Significance.